The following is an entry in ClinVar:

ClinVar aggregate classification (germline): Uncertain significance (1 of 4 stars; one submission).

Submission:

Labcorp Genetics (formerly Invitae), Labcorp
Classification: Uncertain significance. Last evaluated: 2026-01-04. Review status: criteria provided, single submitter. Criteria: Invitae Variant Classification Sherloc (09022015). Collection method: clinical testing. Allele origin: germline.
Comment: This sequence change replaces glutamic acid, which is acidic and polar, with aspartic acid, which is acidic and polar, at codon 359 of the CACNA1E protein (p.Glu359Asp). This variant is not present in population databases (gnomAD no frequency). This variant has not been reported in the literature in individuals affected with CACNA1E-related conditions. Invitae Evidence Modeling of protein sequence and biophysical properties (such as structural, functional, and spatial information, amino acid conservation, physicochemical variation, residue mobility, and thermodynamic stability) has been performed for this missense variant. However, the output from this modeling did not meet the statistical confidence thresholds required to predict the impact of this variant on CACNA1E protein function. In summary, the available evidence is currently insufficient to determine the role of this variant in disease. Therefore, it has been classified as a Variant of Uncertain Significance.

NM_001205293.3(CACNA1E):c.1077G>C (p.Glu359Asp)

Gene: CACNA1E (calcium voltage-gated channel subunit alpha1 E; plus strand). Cytogenetic location: 1q25.3.
Variant type: single nucleotide variant.
Coding change: c.1077G>C on transcript NM_001205293.3 (MANE Select); coding-DNA position 1077, G replaced by C.
Protein change: p.Glu359Asp; replaces glutamic acid 359 with aspartic acid.
Molecular consequence: missense variant.
Genome position (GRCh38, 1-based): chr1:181,710,975, G>C. VCF-style: chr1-181710975-G-C. GRCh37 (hg19) VCF-style: chr1-181680111-G-C.
Other names: c.1077G>C, p.Glu359Asp (NM_000721.4, NM_001205294.2); short protein forms E359D.
Identifiers: ClinVar variation 4799981 (VCV004799981.1).